The following is an entry in ClinVar:

ClinVar aggregate classification (germline): Uncertain significance (1 of 4 stars; one submission).

Conditions:
Fanconi-Bickel syndrome (FBS). Also called: FANCONI SYNDROME WITH INTESTINAL MALABSORPTION AND GALACTOSE INTOLERANCE; HEPATIC GLYCOGENOSIS WITH AMINO ACIDURIA AND GLUCOSURIA; HEPATIC GLYCOGENOSIS WITH FANCONI NEPHROPATHY; HEPATORENAL GLYCOGENOSIS WITH RENAL FANCONI SYNDROME; Glycogen storage disease due to GLUT2 deficiency; PSEUDO-PHLORIZIN DIABETES. Identifiers: Orphanet 2088, MedGen C3495427, MONDO:0009216, OMIM 227810.

Allele frequency attached by ClinVar (database versions not stated): gnomAD exomes 0.00001.
gnomAD v4.1: 4 of 1,612,358 alleles (0.00025%); highest among the groups gnomAD compares: Non-Finnish European, 0.00034%; no homozygotes.

Submission:

Labcorp Genetics (formerly Invitae), Labcorp
Classification: Uncertain significance for Fanconi-Bickel syndrome. Last evaluated: 2023-08-04. Review status: criteria provided, single submitter. Criteria: Invitae Variant Classification Sherloc (09022015). Collection method: clinical testing. Allele origin: germline.
Comment: This sequence change replaces alanine, which is neutral and non-polar, with threonine, which is neutral and polar, at codon 139 of the SLC2A2 protein (p.Ala139Thr). This variant is not present in population databases (gnomAD no frequency). This variant has not been reported in the literature in individuals affected with SLC2A2-related conditions. ClinVar contains an entry for this variant (Variation ID: 2173289). Advanced modeling of protein sequence and biophysical properties (such as structural, functional, and spatial information, amino acid conservation, physicochemical variation, residue mobility, and thermodynamic stability) performed at Invitae indicates that this missense variant is not expected to disrupt SLC2A2 protein function. In summary, the available evidence is currently insufficient to determine the role of this variant in disease. Therefore, it has been classified as a Variant of Uncertain Significance.

NM_000340.2(SLC2A2):c.415G>A (p.Ala139Thr)

Gene: SLC2A2 (solute carrier family 2 member 2; minus strand). Cytogenetic location: 3q26.2.
Variant type: single nucleotide variant.
Coding change: c.415G>A on transcript NM_000340.2 (MANE Select); coding-DNA position 415, G replaced by A.
Protein change: p.Ala139Thr; replaces alanine 139 with threonine.
Molecular consequence: missense variant. On other transcripts: intron variant (1).
Genome position (GRCh38, 1-based): chr3:171,010,039, C>T on the plus strand (G>A on the coding strand, the complement: SLC2A2 is on the minus strand). VCF-style: chr3-171010039-C-T. GRCh37 (hg19) VCF-style: chr3-170727828-C-T.
Other names: c.58G>A, p.Ala20Thr (NM_001278658.2); c.-23-2776G>A (NM_001278659.2); short protein forms A20T, A139T.
Identifiers: ClinVar variation 2173289 (VCV002173289.4), dbSNP rs2473906662, ClinGen allele CA355491706.